The following is an entry in ClinVar:

ClinVar aggregate classification (germline): Uncertain significance. Review status: criteria provided, multiple submitters, no conflicts (2 of 4 stars). 2 submissions from 2 submitters: Uncertain significance (2). Last evaluated 2024-05-08.

Conditions:
Congenital glucose-galactose malabsorption (GGM). Also called: MONOSACCHARIDE MALABSORPTION; DIARRHEA 16. Identifiers: Orphanet 35710, MedGen C0268186, MONDO:0011731, OMIM 606824.

Allele frequency attached by ClinVar (database versions not stated): gnomAD exomes 0.00001; TOPMed 0.00001; ExAC 0.00002.
gnomAD v4.1: 11 of 1,613,730 alleles (0.00068%); highest among the groups gnomAD compares: Admixed American, 0.0083%; no homozygotes.

Submissions (2):

Fulgent Genetics
Classification: Uncertain significance for Congenital glucose-galactose malabsorption. Last evaluated: 2024-05-08. Review status: criteria provided, single submitter. Criteria: ACMG Guidelines, 2015. Collection method: clinical testing. Allele origin: germline.

Labcorp Genetics (formerly Invitae), Labcorp
Classification: Uncertain significance for Congenital glucose-galactose malabsorption. Last evaluated: 2022-07-13. Review status: criteria provided, single submitter. Criteria: Invitae Variant Classification Sherloc (09022015). Collection method: clinical testing. Allele origin: germline.
Comment: In summary, the available evidence is currently insufficient to determine the role of this variant in disease. Therefore, it has been classified as a Variant of Uncertain Significance. This variant disrupts the p.Arg558 amino acid residue in SLC5A1. Other variant(s) that disrupt this residue have been determined to be pathogenic (PMID: 20486940). This suggests that this residue is clinically significant, and that variants that disrupt this residue are likely to be disease-causing. Algorithms developed to predict the effect of missense changes on protein structure and function are either unavailable or do not agree on the potential impact of this missense change (SIFT: "Deleterious"; PolyPhen-2: "Possibly Damaging"; Align-GVGD: "Class C0"). This missense change has been observed in individual(s) with glucose-galactose malabsorption (Invitae). This variant is present in population databases (rs754586981, gnomAD 0.01%). This sequence change replaces arginine, which is basic and polar, with cysteine, which is neutral and slightly polar, at codon 558 of the SLC5A1 protein (p.Arg558Cys).

Literature cited by the submitters: PubMed 20486940 (cited by Labcorp Genetics (formerly Invitae), Labcorp).

NM_000343.4(SLC5A1):c.1672C>T (p.Arg558Cys)

Gene: SLC5A1 (solute carrier family 5 member 1; plus strand). Cytogenetic location: 22q12.3.
Variant type: single nucleotide variant.
Coding change: c.1672C>T on transcript NM_000343.4 (MANE Select); coding-DNA position 1672, C replaced by T.
Protein change: p.Arg558Cys; replaces arginine 558 with cysteine.
Molecular consequence: missense variant.
Genome position (GRCh38, 1-based): chr22:32,104,792, C>T. VCF-style: chr22-32104792-C-T. GRCh37 (hg19) VCF-style: chr22-32500779-C-T.
Other names: c.1291C>T, p.Arg431Cys (NM_001256314.2); short protein forms R558C, R431C.
Identifiers: ClinVar variation 2138440 (VCV002138440.3), dbSNP rs754586981, ClinGen allele CA10198296.